The following is an entry in ClinVar:

NM_013372.7(GREM1):c.205C>T (p.Pro69Ser)

Gene: GREM1 (gremlin 1, DAN family BMP antagonist; plus strand). Cytogenetic location: 15q13.3.
Variant type: single nucleotide variant.
Coding change: c.205C>T on transcript NM_013372.7 (MANE Select); coding-DNA position 205, C replaced by T.
Protein change: p.Pro69Ser; replaces proline 69 with serine.
Molecular consequence: missense variant. On other transcripts: intron variant (2).
Genome position (GRCh38, 1-based): chr15:32,730,895, C>T. VCF-style: chr15-32730895-C-T. GRCh37 (hg19) VCF-style: chr15-33023096-C-T.
Other names: c.205C>T, p.Pro69Ser (NM_001368719.1); c.115-33C>T (NM_001191323.2); c.28-33C>T (NM_001191322.2); short protein forms P69S.
Identifiers: ClinVar variation 2561096 (VCV002561096.2), dbSNP rs1484617645, ClinGen allele CA391557407.

ClinVar aggregate classification (germline): Uncertain significance (1 of 4 stars; one submission).

Conditions:
Hereditary cancer-predisposing syndrome. Also called: Neoplastic Syndromes, Hereditary; Hereditary Cancer Syndrome; Hereditary neoplastic syndrome; Tumor predisposition. Identifiers: Orphanet 140162, MedGen C0027672, MeSH D009386, MONDO:0015356.

Allele frequency attached by ClinVar (database versions not stated): TOPMed below 0.00001.

Submission:

Ambry Genetics
Classification: Uncertain significance for Hereditary cancer-predisposing syndrome. Last evaluated: 2023-03-17. Review status: criteria provided, single submitter. Criteria: Ambry Variant Classification Scheme 2023. Collection method: clinical testing. Allele origin: germline.
Comment: The p.P69S variant (also known as c.205C>T), located in coding exon 1 of the GREM1 gene, results from a C to T substitution at nucleotide position 205. The proline at codon 69 is replaced by serine, an amino acid with similar properties. This amino acid position is conserved. In addition, the in silico prediction for this alteration is inconclusive. Since supporting evidence is limited at this time, the clinical significance of this alteration remains unclear.